The following is an entry in ClinVar:

ClinVar aggregate classification (germline): Uncertain significance. Review status: criteria provided, multiple submitters, no conflicts (2 of 4 stars). 2 submissions from 2 submitters: Uncertain significance (2). Last evaluated 2024-07-28.

Conditions:
Choanal atresia-athelia-hypothyroidism-delayed puberty-short stature syndrome (BCAHH). Also called: BRANCHIAL ARCH ABNORMALITIES, CHOANAL ATRESIA, ATHELIA, HEARING LOSS, AND HYPOTHYROIDISM SYNDROME. Identifiers: Orphanet 589856, MedGen C5680310, MONDO:0035651, OMIM 620186.
Kabuki syndrome 1 (KABUK1). Also called: KMT2D-Related Kabuki Syndrome. Identifiers: Orphanet 2322, MedGen CN030661, MONDO:0007843, OMIM 147920.
Kabuki syndrome. Also called: NIIKAWA-KUROKI SYNDROME; Kabuki make-up syndrome. Identifiers: Orphanet 2322, MedGen C0796004, MONDO:0016512.

Submissions (2):

Labcorp Genetics (formerly Invitae), Labcorp
Classification: Uncertain significance for Kabuki syndrome. Last evaluated: 2024-07-28. Review status: criteria provided, single submitter. Criteria: Invitae Variant Classification Sherloc (09022015). Collection method: clinical testing. Allele origin: germline.
Comment: This sequence change replaces methionine, which is neutral and non-polar, with threonine, which is neutral and polar, at codon 3975 of the KMT2D protein (p.Met3975Thr). This variant is not present in population databases (gnomAD no frequency). This variant has not been reported in the literature in individuals affected with KMT2D-related conditions. Advanced modeling of protein sequence and biophysical properties (such as structural, functional, and spatial information, amino acid conservation, physicochemical variation, residue mobility, and thermodynamic stability) performed at Invitae indicates that this missense variant is not expected to disrupt KMT2D protein function with a negative predictive value of 95%. In summary, the available evidence is currently insufficient to determine the role of this variant in disease. Therefore, it has been classified as a Variant of Uncertain Significance.

Fulgent Genetics
Classification: Uncertain significance for Kabuki syndrome 1; Choanal atresia-athelia-hypothyroidism-delayed puberty-short stature syndrome. Last evaluated: 2024-01-22. Review status: criteria provided, single submitter. Criteria: ACMG Guidelines, 2015. Collection method: clinical testing. Allele origin: germline.

NM_003482.4(KMT2D):c.11924T>C (p.Met3975Thr)

Gene: KMT2D (lysine methyltransferase 2D; minus strand). Cytogenetic location: 12q13.12.
Variant type: single nucleotide variant.
Coding change: c.11924T>C on transcript NM_003482.4 (MANE Select); coding-DNA position 11924, T replaced by C.
Protein change: p.Met3975Thr; replaces methionine 3975 with threonine.
Molecular consequence: missense variant.
Genome position (GRCh38, 1-based): chr12:49,032,781, A>G on the plus strand (T>C on the coding strand, the complement: KMT2D is on the minus strand). VCF-style: chr12-49032781-A-G. GRCh37 (hg19) VCF-style: chr12-49426564-A-G.
Other names: short protein forms M3975T.
Identifiers: ClinVar variation 3574692 (VCV003574692.3).